The following is an entry in ClinVar:

ClinVar aggregate classification (germline): Uncertain significance (1 of 4 stars; one submission).

Conditions:
Zellweger spectrum disorders (ZS). Also called: Zellweger Spectrum Disorder; Zellweger Spectrum; Zellweger Spectrum Disorder (ZSD); Zellweger syndrome. Identifiers: Orphanet 912, MedGen C0043459, MONDO:0019609.

Submission:

Labcorp Genetics (formerly Invitae), Labcorp
Classification: Uncertain significance for Zellweger spectrum disorders. Last evaluated: 2022-07-12. Review status: criteria provided, single submitter. Criteria: Invitae Variant Classification Sherloc (09022015). Collection method: clinical testing. Allele origin: germline.
Comment: This variant is not present in population databases (gnomAD no frequency). This sequence change replaces methionine, which is neutral and non-polar, with isoleucine, which is neutral and non-polar, at codon 535 of the PEX1 protein (p.Met535Ile). This variant has not been reported in the literature in individuals affected with PEX1-related conditions. ClinVar contains an entry for this variant (Variation ID: 1434524). Advanced modeling of protein sequence and biophysical properties (such as structural, functional, and spatial information, amino acid conservation, physicochemical variation, residue mobility, and thermodynamic stability) performed at Invitae indicates that this missense variant is not expected to disrupt PEX1 protein function. Algorithms developed to predict the effect of sequence changes on RNA splicing suggest that this variant may disrupt the consensus splice site. In summary, the available evidence is currently insufficient to determine the role of this variant in disease. Therefore, it has been classified as a Variant of Uncertain Significance.

NM_000466.3(PEX1):c.1605G>A (p.Met535Ile)

Gene: PEX1 (peroxisomal biogenesis factor 1; minus strand). Cytogenetic location: 7q21.2.
Variant type: single nucleotide variant.
Coding change: c.1605G>A on transcript NM_000466.3 (MANE Select); coding-DNA position 1605, G replaced by A.
Protein change: p.Met535Ile; replaces methionine 535 with isoleucine.
Molecular consequence: missense variant.
Genome position (GRCh38, 1-based): chr7:92,509,394, C>T on the plus strand (G>A on the coding strand, the complement: PEX1 is on the minus strand). VCF-style: chr7-92509394-C-T. GRCh37 (hg19) VCF-style: chr7-92138708-C-T.
Other names: c.1605G>A, p.Met535Ile (NM_001282677.2); c.981G>A, p.Met327Ile (NM_001282678.2); short protein forms M327I, M535I.
Identifiers: ClinVar variation 1434524 (VCV001434524.8), dbSNP rs2116195142, ClinGen allele CA368188421.